The following is an entry in ClinVar:

NM_001286.5(CLCN6):c.4G>A (p.Ala2Thr)

Gene: CLCN6 (chloride voltage-gated channel 6; plus strand). Cytogenetic location: 1p36.22.
Variant type: single nucleotide variant.
Coding change: c.4G>A on transcript NM_001286.5 (MANE Select); coding-DNA position 4, G replaced by A.
Protein change: p.Ala2Thr; replaces alanine 2 with threonine.
Molecular consequence: missense variant. On other transcripts: non-coding transcript variant (1).
Genome position (GRCh38, 1-based): chr1:11,806,266, G>A. VCF-style: chr1-11806266-G-A. GRCh37 (hg19) VCF-style: chr1-11866323-G-A.
Other names: c.4G>A, p.Ala2Thr (NM_001256959.2); short protein forms A2T.
Identifiers: ClinVar variation 2127962 (VCV002127962.4), dbSNP rs1010248218, ClinGen allele CA17977632.

ClinVar aggregate classification (germline): Uncertain significance (1 of 4 stars; one submission).

Allele frequency attached by ClinVar (database versions not stated): TOPMed 0.00003.

Submission:

Labcorp Genetics (formerly Invitae), Labcorp
Classification: Uncertain significance. Last evaluated: 2022-06-19. Review status: criteria provided, single submitter. Criteria: Invitae Variant Classification Sherloc (09022015). Collection method: clinical testing. Allele origin: germline.
Comment: This variant is not present in population databases (gnomAD no frequency). In summary, the available evidence is currently insufficient to determine the role of this variant in disease. Therefore, it has been classified as a Variant of Uncertain Significance. Algorithms developed to predict the effect of missense changes on protein structure and function are either unavailable or do not agree on the potential impact of this missense change (SIFT: "Tolerated"; PolyPhen-2: "Not Available"; Align-GVGD: "Class C0"). This variant has not been reported in the literature in individuals affected with CLCN6-related conditions. This sequence change replaces alanine, which is neutral and non-polar, with threonine, which is neutral and polar, at codon 2 of the CLCN6 protein (p.Ala2Thr).